The following is an entry in ClinVar:

ClinVar aggregate classification (germline): Uncertain significance (1 of 4 stars; one submission).

Conditions:
Cardiovascular phenotype. Identifiers: MedGen CN230736.

Submission:

Ambry Genetics
Classification: Uncertain significance for Cardiovascular phenotype. Last evaluated: 2025-10-01. Review status: criteria provided, single submitter. Criteria: Ambry Variant Classification Scheme 2023. Collection method: clinical testing. Allele origin: germline.
Comment: The c.180G>A variant (also known as p.R60R), located in coding exon 3 of the APOC3 gene, results from a G to A substitution at nucleotide position 180. This nucleotide substitution does not change the amino acid at codon 60. However, this change occurs in the first base pair of coding exon 3, which makes it likely to have some effect on normal mRNA splicing. This nucleotide position is not well conserved in available vertebrate species. In silico splice site analysis predicts that this alteration may result in the creation or strengthening of a novel splice acceptor site. The evidence for this gene-disease relationship is limited; therefore, the clinical significance of this alteration is unclear.

NM_000040.3(APOC3):c.180G>A (p.Arg60=)

Gene: APOC3 (apolipoprotein C3; plus strand). Cytogenetic location: 11q23.3.
Variant type: single nucleotide variant.
Coding change: c.180G>A on transcript NM_000040.3 (MANE Select); coding-DNA position 180, G replaced by A.
Protein change: p.Arg60=; no amino-acid change (arginine 60 retained).
Molecular consequence: synonymous variant.
Genome position (GRCh38, 1-based): chr11:116,832,764, G>A. VCF-style: chr11-116832764-G-A. GRCh37 (hg19) VCF-style: chr11-116703480-G-A.
Identifiers: ClinVar variation 4613721 (VCV004613721.1).